The following is an entry in ClinVar:

ClinVar aggregate classification (germline): Uncertain significance (1 of 4 stars; one submission).

Allele frequency attached by ClinVar (database versions not stated): gnomAD 0.00001; gnomAD exomes 0.00001.
gnomAD v4.1: 11 of 1,614,070 alleles (0.00068%); highest among the groups gnomAD compares: East Asian, 0.0022%; no homozygotes.

Submission:

Labcorp Genetics (formerly Invitae), Labcorp
Classification: Uncertain significance. Last evaluated: 2022-12-16. Review status: criteria provided, single submitter. Criteria: Invitae Variant Classification Sherloc (09022015). Collection method: clinical testing. Allele origin: germline.
Comment: In summary, the available evidence is currently insufficient to determine the role of this variant in disease. Therefore, it has been classified as a Variant of Uncertain Significance. Algorithms developed to predict the effect of missense changes on protein structure and function are either unavailable or do not agree on the potential impact of this missense change (SIFT: "Deleterious"; PolyPhen-2: "Probably Damaging"; Align-GVGD: "Class C0"). This variant has not been reported in the literature in individuals affected with MAP3K8-related conditions. This variant is present in population databases (no rsID available, gnomAD 0.0009%). This sequence change replaces serine, which is neutral and polar, with arginine, which is basic and polar, at codon 358 of the MAP3K8 protein (p.Ser358Arg).

NM_005204.4(MAP3K8):c.1072A>C (p.Ser358Arg)

Gene: MAP3K8 (mitogen-activated protein kinase kinase kinase 8; plus strand). Cytogenetic location: 10p11.23.
Variant type: single nucleotide variant.
Coding change: c.1072A>C on transcript NM_005204.4 (MANE Select); coding-DNA position 1072, A replaced by C.
Protein change: p.Ser358Arg; replaces serine 358 with arginine.
Molecular consequence: missense variant.
Genome position (GRCh38, 1-based): chr10:30,459,300, A>C. VCF-style: chr10-30459300-A-C. GRCh37 (hg19) VCF-style: chr10-30748229-A-C.
Other names: c.1072A>C, p.Ser358Arg (NM_001244134.1, NM_001320961.2); short protein forms S358R.
Identifiers: ClinVar variation 2886165 (VCV002886165.3), dbSNP rs1004276395, ClinGen allele CA205304115.